The following is an entry in ClinVar:

ClinVar aggregate classification (germline): Uncertain significance (1 of 4 stars; one submission).

Submission:

GeneDx
Classification: Uncertain significance. Last evaluated: 2024-05-10. Review status: criteria provided, single submitter. Criteria: GeneDx Variant Classification Process June 2021. Collection method: clinical testing. Allele origin: germline. Affected: yes.
Comment: Not observed at significant frequency in large population cohorts (gnomAD); In silico analysis supports that this missense variant has a deleterious effect on protein structure/function; Has not been previously published as pathogenic or benign to our knowledge

NM_001145358.2(SIN3A):c.3040G>A (p.Asp1014Asn)

Gene: SIN3A (SIN3 transcription regulator family member A; minus strand). Cytogenetic location: 15q24.2.
Variant type: single nucleotide variant.
Coding change: c.3040G>A on transcript NM_001145358.2 (MANE Select); coding-DNA position 3040, G replaced by A.
Protein change: p.Asp1014Asn; replaces aspartic acid 1014 with asparagine.
Molecular consequence: missense variant.
Genome position (GRCh38, 1-based): chr15:75,384,419, C>T on the plus strand (G>A on the coding strand, the complement: SIN3A is on the minus strand). VCF-style: chr15-75384419-C-T. GRCh37 (hg19) VCF-style: chr15-75676760-C-T.
Other names: c.3040G>A, p.Asp1014Asn (NM_001145357.2, NM_015477.3); short protein forms D1014N.
Identifiers: ClinVar variation 3375722 (VCV003375722.1).
Genomic context (GRCh38, chr15:75,384,419, plus strand): 5'-CGGTGGCCCCATTATTATTTTCTGCCAGGTAAAGGTCAGTCACCTGCACACAGATCTCAT[C>T]ACTCACGATATGCTGCAGCTGGAAGCAAACAAAGGCAAGCTTTTAGTGAACACAGAAAAC-3'
Protein context (NP_001138830.1, residues 1004-1024): IVRQLQHIVS[Asp1014Asn]EICVQVTDLY